The following is an entry in ClinVar:

ClinVar aggregate classification (germline): Uncertain significance (1 of 4 stars; one submission).

Allele frequency attached by ClinVar (database versions not stated): ExAC 0.00001; gnomAD exomes 0.00001.
gnomAD v4.1: 3 of 1,612,824 alleles (0.00019%); highest among the groups gnomAD compares: South Asian, 0.0022%; no homozygotes.

Submission:

Labcorp Genetics (formerly Invitae), Labcorp
Classification: Uncertain significance. Last evaluated: 2022-04-22. Review status: criteria provided, single submitter. Criteria: Invitae Variant Classification Sherloc (09022015). Collection method: clinical testing. Allele origin: germline.
Comment: This variant has not been reported in the literature in individuals affected with PYROXD1-related conditions. Experimental studies and prediction algorithms are not available or were not evaluated, and the functional significance of this variant is currently unknown. This sequence change creates a premature translational stop signal (p.Arg444*) in the PYROXD1 gene. While this is not anticipated to result in nonsense mediated decay, it is expected to disrupt the last 57 amino acid(s) of the PYROXD1 protein. This variant is present in population databases (rs767032529, gnomAD 0.003%). In summary, the available evidence is currently insufficient to determine the role of this variant in disease. Therefore, it has been classified as a Variant of Uncertain Significance.

NM_024854.5(PYROXD1):c.1330C>T (p.Arg444Ter)

Gene: PYROXD1 (pyridine nucleotide-disulphide oxidoreductase domain 1; plus strand). Cytogenetic location: 12p12.1.
Variant type: single nucleotide variant.
Coding change: c.1330C>T on transcript NM_024854.5 (MANE Select); coding-DNA position 1330, C replaced by T.
Protein change: p.Arg444Ter; replaces arginine 444 with a stop codon.
Molecular consequence: nonsense.
Genome position (GRCh38, 1-based): chr12:21,468,581, C>T. VCF-style: chr12-21468581-C-T. GRCh37 (hg19) VCF-style: chr12-21621515-C-T.
Other names: c.1117C>T, p.Arg373Ter (NM_001350912.2); c.553C>T, p.Arg185Ter (NM_001350913.2); short protein forms R444*, R185*, R373*.
Identifiers: ClinVar variation 1973705 (VCV001973705.5), dbSNP rs767032529, ClinGen allele CA6478536.
Genomic context (GRCh38, chr12:21,468,581, plus strand): 5'-AAATACAATGCACAGGGCTTAGGTTCAGATCATGAATTAATGCTGAGATGTACCAAAGGA[C>T]GAGAATACATCAAAGTCGTCATGCAAAATGGACGAATGATGGGAGCTGTCTTAATTGGTG-3'